The following is an entry in ClinVar:

NM_001042492.3(NF1):c.8395G>C (p.Val2799Leu)

Gene: NF1 (neurofibromin 1; plus strand). Cytogenetic location: 17q11.2.
Variant type: single nucleotide variant.
Coding change: c.8395G>C on transcript NM_001042492.3 (MANE Select); coding-DNA position 8395, G replaced by C.
Protein change: p.Val2799Leu; replaces valine 2799 with leucine.
Molecular consequence: missense variant.
Genome position (GRCh38, 1-based): chr17:31,374,030, G>C. VCF-style: chr17-31374030-G-C. GRCh37 (hg19) VCF-style: chr17-29701048-G-C.
Other names: c.8332G>C, p.Val2778Leu (NM_000267.4); short protein forms V2778L, V2799L.
Identifiers: ClinVar variation 1010306 (VCV001010306.5), dbSNP rs377393842, ClinGen allele CA399205887.

ClinVar aggregate classification (germline): Uncertain significance (1 of 4 stars; one submission).

Conditions:
Neurofibromatosis, type 1 (NF1). Also called: VON RECKLINGHAUSEN DISEASE; Neurofibromatosis, type I; NEUROFIBROMATOSIS, TYPE I, SOMATIC; Peripheral type neurofibromatosis. Identifiers: Orphanet 636, MedGen C0027831, MONDO:0018975, OMIM 162200. Disease mechanism: loss of function.

Submission:

Labcorp Genetics (formerly Invitae), Labcorp
Classification: Uncertain significance for Neurofibromatosis, type 1. Last evaluated: 2020-08-16. Review status: criteria provided, single submitter. Criteria: Invitae Variant Classification Sherloc (09022015). Collection method: clinical testing. Allele origin: germline.
Comment: This sequence change replaces valine with leucine at codon 2778 of the NF1 protein (p.Val2778Leu). The valine residue is moderately conserved and there is a small physicochemical difference between valine and leucine. This variant is not present in population databases (ExAC no frequency). This variant has not been reported in the literature in individuals with NF1-related conditions. Advanced modeling of protein sequence and biophysical properties (such as structural, functional, and spatial information, amino acid conservation, physicochemical variation, residue mobility, and thermodynamic stability) performed at Invitae indicates that this missense variant is not expected to disrupt NF1 protein function. In summary, the available evidence is currently insufficient to determine the role of this variant in disease. Therefore, it has been classified as a Variant of Uncertain Significance.